The following is an entry in ClinVar:

NM_000402.4(G6PD):c.738T>G (p.Phe246Leu)

Gene: G6PD (glucose-6-phosphate dehydrogenase; minus strand). Cytogenetic location: Xq28.
Variant type: single nucleotide variant.
Coding change: c.738T>G on transcript NM_000402.4; coding-DNA position 738, T replaced by G.
Protein change: p.Phe246Leu; replaces phenylalanine 246 with leucine.
Molecular consequence: missense variant.
Genome position (GRCh38, 1-based): chrX:154,534,157, A>C on the plus strand (T>G on the coding strand, the complement: G6PD is on the minus strand). VCF-style: chrX-154534157-A-C. GRCh37 (hg19) VCF-style: chrX-153762372-A-C.
Other names: G6PD, PHE216LEU; G6PD Harilaou; c.648T>G, p.Phe216Leu (NM_001042351.3, NM_001360016.2); short protein forms F216L, F246L.
Identifiers: ClinVar variation 10373 (VCV000010373.3), dbSNP rs137852319, ClinGen allele CA120965.

ClinVar aggregate classification (germline): Likely pathogenic. Review status: criteria provided, single submitter (1 of 4 stars). 2 submissions from 2 submitters: Likely pathogenic (1). 1 of the submissions does not count toward it. Last evaluated 2022-08-12.

Conditions:
G6PD HARILAOU.
Anemia, nonspherocytic hemolytic, due to G6PD deficiency (CNSHA1). Also called: Hemolytic anemia due to G6PD deficiency; Class I glucose-6-phosphate dehydrogenase deficiency; Favism, susceptibility to; ANEMIA, CONGENITAL, NONSPHEROCYTIC HEMOLYTIC, 1. Identifiers: Orphanet 466026, MedGen C2720289, MONDO:0010480, OMIM 300908.

Submissions (2):

Dunham Lab, University of Washington
Classification: Likely pathogenic for Anemia, nonspherocytic hemolytic, due to G6PD deficiency. Last evaluated: 2022-08-12. Review status: criteria provided, single submitter. Criteria: Bayesian ACMG Guidelines, 2018. Collection method: curation. Allele origin: maternal. Affected: yes.
Comment: Decreased activity in fibroblasts (1%) (PS3). Not found in gnomAD (PM2). Post_P 0.975 (odds of pathogenicity 350.3, Prior_P 0.1).

OMIM
Classification: other for G6PD HARILAOU. Last evaluated: 2013-04-18. Review status: no assertion criteria provided. Collection method: literature only. Allele origin: germline. Not counted in ClinVar's aggregate classification.

Literature cited by the submitters: PubMed 2157298 (cited by Dunham Lab, University of Washington and OMIM); PubMed 34643346 (cited by Dunham Lab, University of Washington); PubMed 2222408 (cited by Dunham Lab, University of Washington); Poggi, V. Personal Communication. 1989. London, England (cited by OMIM).